The following is an entry in ClinVar:

ClinVar aggregate classification (germline): Uncertain significance. Review status: criteria provided, multiple submitters, no conflicts (2 of 4 stars). 2 submissions from 2 submitters: Uncertain significance (2). Last evaluated 2026-01-17.

Conditions:
Familial thoracic aortic aneurysm and aortic dissection (TAAD). Also called: Thoracic aortic aneurysms and dissections. Identifiers: Orphanet 91387, MedGen C4707243, MONDO:0019625.
Marfan syndrome (MFS). Also called: FBN1-Related Marfan Syndrome; Marfan's syndrome; MARFAN SYNDROME, TYPE I; Marfan syndrome type 1; Marfan syndrome, classic. Identifiers: Orphanet 284963, Orphanet 558, MedGen C0024796, MONDO:0007947, OMIM 154700.

Submissions (2):

Labcorp Genetics (formerly Invitae), Labcorp
Classification: Uncertain significance for Marfan syndrome; Familial thoracic aortic aneurysm and aortic dissection. Last evaluated: 2026-01-17. Review status: criteria provided, single submitter. Criteria: Invitae Variant Classification Sherloc (09022015). Collection method: clinical testing. Allele origin: germline.
Comment: This sequence change replaces asparagine, which is neutral and polar, with serine, which is neutral and polar, at codon 2583 of the FBN1 protein (p.Asn2583Ser). This variant is not present in population databases (gnomAD no frequency). This missense change has been observed in individual(s) with Marfan syndrome (internal data). ClinVar contains an entry for this variant (Variation ID: 854052). Invitae Evidence Modeling of protein sequence and biophysical properties (such as structural, functional, and spatial information, amino acid conservation, physicochemical variation, residue mobility, and thermodynamic stability) indicates that this missense variant is expected to disrupt FBN1 protein function with a positive predictive value of 95%. In summary, the available evidence is currently insufficient to determine the role of this variant in disease. Therefore, it has been classified as a Variant of Uncertain Significance.

Ambry Genetics
Classification: Uncertain significance for Familial thoracic aortic aneurysm and aortic dissection. Last evaluated: 2024-08-30. Review status: criteria provided, single submitter. Criteria: Ambry Variant Classification Scheme 2023. Collection method: clinical testing. Allele origin: germline.
Comment: The p.N2583S variant (also known as c.7748A>G), located in coding exon 62 of the FBN1 gene, results from an A to G substitution at nucleotide position 7748. The asparagine at codon 2583 is replaced by serine, an amino acid with highly similar properties. This variant alters a conserved residue in the calcium-binding consensus sequence of a cbEGF domain and is expected to disrupt FBN1 function (Handford PA et al. Nature. 1991; 351(6322):164-7). This amino acid position is highly conserved in available vertebrate species. In addition, the in silico prediction for this alteration is inconclusive. Based on the available evidence, the clinical significance of this variant remains unclear.

NM_000138.5(FBN1):c.7748A>G (p.Asn2583Ser)

Gene: FBN1 (fibrillin 1; minus strand). Cytogenetic location: 15q21.1.
Variant type: single nucleotide variant.
Coding change: c.7748A>G on transcript NM_000138.5 (MANE Select); coding-DNA position 7748, A replaced by G.
Protein change: p.Asn2583Ser; replaces asparagine 2583 with serine.
Molecular consequence: missense variant.
Genome position (GRCh38, 1-based): chr15:48,420,758, T>C on the plus strand (A>G on the coding strand, the complement: FBN1 is on the minus strand). VCF-style: chr15-48420758-T-C. GRCh37 (hg19) VCF-style: chr15-48712955-T-C.
Other names: short protein forms N2583S.
Identifiers: ClinVar variation 854052 (VCV000854052.10), dbSNP rs2042934435, ClinGen allele CA392324725.
Genomic context (GRCh38, chr15:48,420,758, plus strand): 5'-TTCCACTGGTAGTGCTGGAGGTAGCCCTGGGGGCAGCTGCACCTGTAGCCCCCAATGATG[T>C]TCTGGCAGCCATGCTGGCAGCGGTGGTTACCCTCACACTCGTCCACGTCTGAAAAAGAAG-3'
Protein context (NP_000129.3, residues 2573-2593): GNHRCQHGCQ[Asn2583Ser]IIGGYRCSCP